The following is an entry in ClinVar:

ClinVar aggregate classification (germline): Uncertain significance. Review status: criteria provided, multiple submitters, no conflicts (2 of 4 stars). 3 submissions from 3 submitters: Uncertain significance (3). Last evaluated 2025-12-16.

Conditions:
Inborn genetic diseases. Identifiers: MedGen C0950123, MeSH D030342.
Lethal Kniest-like syndrome (DDSH). Also called: Dyssegmental Dysplasia. Identifiers: Orphanet 1865, MedGen C1857100, MONDO:0009140, OMIM 224410.

Allele frequency attached by ClinVar (database versions not stated): TOPMed 0.00003; gnomAD 0.00004; gnomAD exomes 0.00008 and 0.00013; ExAC 0.00009; ESP Exome Variant Server 0.00023.
gnomAD v4.1: 189 of 1,612,514 alleles (0.012%); highest among the groups gnomAD compares: Non-Finnish European, 0.015%; no homozygotes.

Submissions (3):

Ambry Genetics
Classification: Uncertain significance for Inborn genetic diseases. Last evaluated: 2025-12-16. Review status: criteria provided, single submitter. Criteria: Ambry Variant Classification Scheme 2023. Collection method: clinical testing. Allele origin: germline.

Labcorp Genetics (formerly Invitae), Labcorp
Classification: Uncertain significance. Last evaluated: 2023-09-25. Review status: criteria provided, single submitter. Criteria: Invitae Variant Classification Sherloc (09022015). Collection method: clinical testing. Allele origin: germline.
Comment: This sequence change replaces proline, which is neutral and non-polar, with leucine, which is neutral and non-polar, at codon 2592 of the HSPG2 protein (p.Pro2592Leu). This variant is present in population databases (rs140341550, gnomAD 0.02%). This variant has not been reported in the literature in individuals affected with HSPG2-related conditions. ClinVar contains an entry for this variant (Variation ID: 1029972). An algorithm developed to predict the effect of missense changes on protein structure and function (PolyPhen-2) suggests that this variant is likely to be disruptive. In summary, the available evidence is currently insufficient to determine the role of this variant in disease. Therefore, it has been classified as a Variant of Uncertain Significance.

Baylor Genetics
Classification: Uncertain significance for Lethal Kniest-like syndrome. Last evaluated: 2019-02-07. Review status: criteria provided, single submitter. Criteria: ACMG Guidelines, 2015. Collection method: clinical testing. Allele origin: paternal. Affected: yes.
Comment: This variant was determined to be of uncertain significance according to ACMG Guidelines, 2015 [PMID:25741868].

NM_005529.7(HSPG2):c.7775C>T (p.Pro2592Leu)

Gene: HSPG2 (heparan sulfate proteoglycan 2; minus strand). Cytogenetic location: 1p36.12.
Variant type: single nucleotide variant.
Coding change: c.7775C>T on transcript NM_005529.7 (MANE Select); coding-DNA position 7775, C replaced by T.
Protein change: p.Pro2592Leu; replaces proline 2592 with leucine.
Molecular consequence: missense variant.
Genome position (GRCh38, 1-based): chr1:21,848,056, G>A on the plus strand (C>T on the coding strand, the complement: HSPG2 is on the minus strand). VCF-style: chr1-21848056-G-A. GRCh37 (hg19) VCF-style: chr1-22174549-G-A.
Other names: c.7778C>T, p.Pro2593Leu (NM_001291860.2); short protein forms P2592L, P2593L.
Identifiers: ClinVar variation 1029972 (VCV001029972.5), dbSNP rs140341550, ClinGen allele CA671065.
Genomic context (GRCh38, chr1:21,848,056, plus strand): 5'-GAGGTCTCCCGGGAGCCTGCACCGTTACTGACGTGACACACGTACTCGCCCGAGTCTGCC[G>A]GAGTCACCTGAGGGATCCGCAGCCGGGAGCCCACGATCTGCAGGAAGCAGATGGCAGGAG-3'
Protein context (NP_005520.4, residues 2582-2602): GSRLRIPQVT[Pro2592Leu]ADSGEYVCHV